The following is an entry in ClinVar:

NM_014264.5(PLK4):c.2563A>G (p.Met855Val)

Gene: PLK4 (polo like kinase 4; plus strand). Cytogenetic location: 4q28.1.
Variant type: single nucleotide variant.
Coding change: c.2563A>G on transcript NM_014264.5 (MANE Select); coding-DNA position 2563, A replaced by G.
Protein change: p.Met855Val; replaces methionine 855 with valine.
Molecular consequence: missense variant.
Genome position (GRCh38, 1-based): chr4:127,894,953, A>G. VCF-style: chr4-127894953-A-G. GRCh37 (hg19) VCF-style: chr4-128816108-A-G.
Other names: c.2467A>G, p.Met823Val (NM_001190799.2); c.2440A>G, p.Met814Val (NM_001190801.2); short protein forms M823V, M855V, M814V.
Identifiers: ClinVar variation 1035480 (VCV001035480.2), dbSNP rs1735506099, ClinGen allele CA358163882.

ClinVar aggregate classification (germline): Uncertain significance (1 of 4 stars; one submission).

Allele frequency attached by ClinVar (database versions not stated): gnomAD exomes below 0.00001; TOPMed below 0.00001.
gnomAD v4.1: 2 of 1,576,322 alleles (0.00013%); highest among the groups gnomAD compares: African/African-American, 0.0014%; no homozygotes.

Submission:

Labcorp Genetics (formerly Invitae), Labcorp
Classification: Uncertain significance. Last evaluated: 2021-08-28. Review status: criteria provided, single submitter. Criteria: Invitae Variant Classification Sherloc (09022015). Collection method: clinical testing. Allele origin: germline.
Comment: This sequence change replaces methionine with valine at codon 855 of the PLK4 protein (p.Met855Val). The methionine residue is weakly conserved and there is a small physicochemical difference between methionine and valine. This variant is not present in population databases (ExAC no frequency). This variant has not been reported in the literature in individuals affected with PLK4-related conditions. Algorithms developed to predict the effect of missense changes on protein structure and function output the following: SIFT: "Tolerated"; PolyPhen-2: "Benign"; Align-GVGD: "Class C0". The valine amino acid residue is found in multiple mammalian species, which suggests that this missense change does not adversely affect protein function. In summary, the available evidence is currently insufficient to determine the role of this variant in disease. Therefore, it has been classified as a Variant of Uncertain Significance.